The following is an entry in ClinVar:

NM_015909.4(NBAS):c.1143C>G (p.Ile381Met)

Gene: NBAS (NBAS subunit of NRZ tethering complex; minus strand). Cytogenetic location: 2p24.3.
Variant type: single nucleotide variant.
Coding change: c.1143C>G on transcript NM_015909.4 (MANE Select); coding-DNA position 1143, C replaced by G.
Protein change: p.Ile381Met; replaces isoleucine 381 with methionine.
Molecular consequence: missense variant. On other transcripts: non-coding transcript variant (1).
Genome position (GRCh38, 1-based): chr2:15,478,230, G>C on the plus strand (C>G on the coding strand, the complement: NBAS is on the minus strand). VCF-style: chr2-15478230-G-C. GRCh37 (hg19) VCF-style: chr2-15618354-G-C.
Other names: short protein forms I381M.
Identifiers: ClinVar variation 1463743 (VCV001463743.7), dbSNP rs775294343, ClinGen allele CA1536774.

ClinVar aggregate classification (germline): Uncertain significance (1 of 4 stars; one submission).

Allele frequency attached by ClinVar (database versions not stated): gnomAD exomes below 0.00001; ExAC 0.00001; gnomAD 0.00001.
gnomAD v4.1: 6 of 1,597,348 alleles (0.00038%); highest among the groups gnomAD compares: African/African-American, 0.0013%; no homozygotes.

Submission:

Labcorp Genetics (formerly Invitae), Labcorp
Classification: Uncertain significance. Last evaluated: 2022-06-20. Review status: criteria provided, single submitter. Criteria: Invitae Variant Classification Sherloc (09022015). Collection method: clinical testing. Allele origin: germline.
Comment: This sequence change replaces isoleucine, which is neutral and non-polar, with methionine, which is neutral and non-polar, at codon 381 of the NBAS protein (p.Ile381Met). This variant is present in population databases (rs775294343, gnomAD 0.0009%). This variant has not been reported in the literature in individuals affected with NBAS-related conditions. Algorithms developed to predict the effect of missense changes on protein structure and function are either unavailable or do not agree on the potential impact of this missense change (SIFT: "Deleterious"; PolyPhen-2: "Benign"; Align-GVGD: "Class C0"). In summary, the available evidence is currently insufficient to determine the role of this variant in disease. Therefore, it has been classified as a Variant of Uncertain Significance.